The following is an entry in ClinVar:

ClinVar aggregate classification (germline): Uncertain significance. Review status: criteria provided, multiple submitters, no conflicts (2 of 4 stars). 2 submissions from 2 submitters: Uncertain significance (2). Last evaluated 2025-08-27.

Conditions:
Inborn genetic diseases. Identifiers: MedGen C0950123, MeSH D030342.
Desbuquois dysplasia 1 (DBQD1). Also called: DESBUQUOIS DYSPLASIA 1, KIM VARIANT; MICROMELIC DWARFISM WITH VERTEBRAL AND METAPHYSEAL ABNORMALITIES AND ADVANCED CARPOTARSAL OSSIFICATION. Identifiers: Orphanet 1425, MedGen C4012146, MONDO:0009629, OMIM 251450.

Submissions (2):

Ambry Genetics
Classification: Uncertain significance for Inborn genetic diseases. Last evaluated: 2025-08-27. Review status: criteria provided, single submitter. Criteria: Ambry Variant Classification Scheme 2023. Collection method: clinical testing. Allele origin: germline.

Labcorp Genetics (formerly Invitae), Labcorp
Classification: Uncertain significance for Desbuquois dysplasia 1. Last evaluated: 2021-05-25. Review status: criteria provided, single submitter. Criteria: Invitae Variant Classification Sherloc (09022015). Collection method: clinical testing. Allele origin: germline.
Comment: This sequence change replaces arginine with glutamine at codon 106 of the XYLT1 protein (p.Arg106Gln). The arginine residue is weakly conserved and there is a small physicochemical difference between arginine and glutamine. In summary, the available evidence is currently insufficient to determine the role of this variant in disease. Therefore, it has been classified as a Variant of Uncertain Significance. Algorithms developed to predict the effect of missense changes on protein structure and function are either unavailable or do not agree on the potential impact of this missense change (SIFT: "Tolerated"; PolyPhen-2: "Not Available"; Align-GVGD: "Class C0"). This variant has not been reported in the literature in individuals with XYLT1-related conditions. The frequency data for this variant in the population databases is considered unreliable, as metrics indicate insufficient coverage at this position in the ExAC database.

NM_022166.4(XYLT1):c.317G>A (p.Arg106Gln)

Gene: XYLT1 (xylosyltransferase 1; minus strand). Cytogenetic location: 16p12.3.
Variant type: single nucleotide variant.
Coding change: c.317G>A on transcript NM_022166.4 (MANE Select); coding-DNA position 317, G replaced by A.
Protein change: p.Arg106Gln; replaces arginine 106 with glutamine.
Molecular consequence: missense variant.
Genome position (GRCh38, 1-based): chr16:17,470,480, C>T on the plus strand (G>A on the coding strand, the complement: XYLT1 is on the minus strand). VCF-style: chr16-17470480-C-T. GRCh37 (hg19) VCF-style: chr16-17564337-C-T.
Other names: c.317G>A (NM_022166.3); short protein forms R106Q.
Identifiers: ClinVar variation 1410466 (VCV001410466.9), dbSNP rs1438453537, ClinGen allele CA395219967.